The following is an entry in ClinVar:

ClinVar aggregate classification (germline): Uncertain significance (1 of 4 stars; one submission).

Submission:

GeneDx
Classification: Uncertain significance. Last evaluated: 2024-03-18. Review status: criteria provided, single submitter. Criteria: GeneDx Variant Classification Process June 2021. Collection method: clinical testing. Allele origin: germline. Affected: yes.
Comment: Not observed at significant frequency in large population cohorts (gnomAD); In silico analysis indicates that this missense variant does not alter protein structure/function; Has not been previously published as pathogenic or benign to our knowledge

NM_004187.5(KDM5C):c.809C>T (p.Thr270Ile)

Gene: KDM5C (lysine demethylase 5C; minus strand). Cytogenetic location: Xp11.22.
Variant type: single nucleotide variant.
Coding change: c.809C>T on transcript NM_004187.5 (MANE Select); coding-DNA position 809, C replaced by T.
Protein change: p.Thr270Ile; replaces threonine 270 with isoleucine.
Molecular consequence: missense variant. On other transcripts: non-coding transcript variant (3).
Genome position (GRCh38, 1-based): chrX:53,215,949, G>A on the plus strand (C>T on the coding strand, the complement: KDM5C is on the minus strand). VCF-style: chrX-53215949-G-A. GRCh37 (hg19) VCF-style: chrX-53245131-G-A.
Other names: c.608C>T, p.Thr203Ile (NM_001146702.2); c.806C>T, p.Thr269Ile (NM_001282622.3, NM_001353979.2, NM_001353982.2); c.809C>T, p.Thr270Ile (NM_001353978.3, NM_001353981.2, NM_001353984.2); short protein forms T203I, T269I, T270I.
Identifiers: ClinVar variation 3371143 (VCV003371143.1).